The following is an entry in ClinVar:

NM_001366110.1(PAX4):c.79C>T (p.Arg27Trp)

Gene: PAX4 (paired box 4; minus strand). Cytogenetic location: 7q32.1.
Variant type: single nucleotide variant.
Coding change: c.79C>T on transcript NM_001366110.1 (MANE Select); coding-DNA position 79, C replaced by T.
Protein change: p.Arg27Trp; replaces arginine 27 with tryptophan.
Molecular consequence: missense variant.
Genome position (GRCh38, 1-based): chr7:127,615,466, G>A on the plus strand (C>T on the coding strand, the complement: PAX4 is on the minus strand). VCF-style: chr7-127615466-G-A. GRCh37 (hg19) VCF-style: chr7-127255520-G-A.
Other names: NM_006193.2:c.55C>T; c.79C>T, p.Arg27Trp (NM_001366111.1); short protein forms R27W.
Identifiers: ClinVar variation 4079494 (VCV004079494.2).

ClinVar aggregate classification (germline): Uncertain significance. Review status: criteria provided, multiple submitters, no conflicts (2 of 4 stars). 2 submissions from 2 submitters: Uncertain significance (2). Last evaluated 2026-07-20.

Conditions:
PAX4-related disorder. Also called: PAX4-related condition.

gnomAD v4.1: 9 of 1,614,058 alleles (0.00056%); highest among the groups gnomAD compares: East Asian, 0.0045%; no homozygotes.

Submissions (2):

PreventionGenetics, part of Exact Sciences
Classification: Uncertain significance for PAX4-related condition. Last evaluated: 2026-07-20. Review status: criteria provided, single submitter. Criteria: ACMG Guidelines, 2015. Collection method: clinical testing. Allele origin: germline.
Comment: The PAX4 c.55C>T variant is predicted to result in the amino acid substitution p.Arg19Trp. This variant has been reported in an individual with gestational diabetes (Zubkova et al. 2019. PubMed ID: 30663027). This variant is reported in 0.010% of alleles in individuals of East Asian descent in gnomAD. At this time, the clinical significance of this variant is uncertain due to the absence of conclusive functional and genetic evidence.

Revvity Omics, Revvity
Classification: Uncertain significance. Last evaluated: 2024-08-27. Review status: criteria provided, single submitter. Criteria: ACMG Guidelines, 2015. Collection method: clinical testing. Allele origin: germline.